The following is an entry in ClinVar:

ClinVar aggregate classification (germline): Uncertain significance (1 of 4 stars; one submission).

Allele frequency attached by ClinVar (database versions not stated): ExAC 0.00001; TOPMed 0.00001; gnomAD 0.00003; ESP Exome Variant Server 0.00008.
gnomAD v4.1: 31 of 1,613,962 alleles (0.0019%); highest among the groups gnomAD compares: Admixed American, 0.0033%; no homozygotes.

Submission:

Labcorp Genetics (formerly Invitae), Labcorp
Classification: Uncertain significance. Last evaluated: 2024-04-11. Review status: criteria provided, single submitter. Criteria: Invitae Variant Classification Sherloc (09022015). Collection method: clinical testing. Allele origin: germline.
Comment: This sequence change replaces arginine, which is basic and polar, with histidine, which is basic and polar, at codon 1294 of the DLC1 protein (p.Arg1294His). This variant is present in population databases (rs369441118, gnomAD 0.005%). This variant has not been reported in the literature in individuals affected with DLC1-related conditions. An algorithm developed to predict the effect of missense changes on protein structure and function (PolyPhen-2) suggests that this variant is likely to be disruptive. In summary, the available evidence is currently insufficient to determine the role of this variant in disease. Therefore, it has been classified as a Variant of Uncertain Significance.

NM_182643.3(DLC1):c.3881G>A (p.Arg1294His)

Genes: DLC1 (DLC1 Rho GTPase activating protein; minus strand), LOC126860305 (MED14-independent group 3 enhancer GRCh37_chr8:12947375-12948574; plus strand). Cytogenetic location: 8p22.
Variant type: single nucleotide variant.
Coding change: c.3881G>A on transcript NM_182643.3 (MANE Select); coding-DNA position 3881, G replaced by A.
Protein change: p.Arg1294His; replaces arginine 1294 with histidine.
Molecular consequence: missense variant. On other transcripts: intron variant (2).
Genome position (GRCh38, 1-based): chr8:13,090,445, C>T on the plus strand (G>A on the coding strand, the complement: DLC1 is on the minus strand). VCF-style: chr8-13090445-C-T. GRCh37 (hg19) VCF-style: chr8-12947954-C-T.
Other names: c.2321G>A, p.Arg774His (NM_001413131.1, NM_001413137.1); c.2807G>A, p.Arg936His (NM_001413132.1); c.2348G>A, p.Arg783His (NM_001413133.1, NM_001413138.1, NM_001164271.2 and 6 more transcripts); c.2570G>A, p.Arg857His (NM_001413135.1, NM_001413139.1, NM_006094.5); c.2705G>A, p.Arg902His (NM_001413140.1); c.2672G>A, p.Arg891His (NM_001316668.2); c.3881G>A, p.Arg1294His (NM_001348081.2, NM_001413124.1); c.2663G>A, p.Arg888His (NM_001413130.1); and 2 more; short protein forms R888H, R902H, R1294H, R936H, R774H, R857H, R891H, R783H.
Identifiers: ClinVar variation 2775906 (VCV002775906.3), dbSNP rs369441118, ClinGen allele CA4638110.
Genomic context (GRCh38, chr8:13,090,445, plus strand): 5'-CCCAGGTGCCCGAGTGCTTCCAGAGTGAGGGGCTTCAGCTCTTGTTCGGTATAGGAATTA[C>T]GACATCGGCTCATTTCCTCGGGAACCTGTGCGGAACATGACAGACAGAAAGGAGGTGAGT-3'
Protein context (NP_872584.2, residues 1284-1304): FQVPEEMSRC[Arg1294His]NSYTEQELKP